The following is an entry in ClinVar:

ClinVar aggregate classification (germline): Uncertain significance (1 of 4 stars; one submission).

Allele frequency attached by ClinVar (database versions not stated): gnomAD exomes below 0.00001.
gnomAD v4.1: 6 of 1,599,570 alleles (0.00038%); highest among the groups gnomAD compares: Non-Finnish European, 0.00043%; no homozygotes.

Submission:

GeneDx
Classification: Uncertain significance. Last evaluated: 2019-07-17. Review status: criteria provided, single submitter. Criteria: GeneDx Variant Classification Process June 2021. Collection method: clinical testing. Allele origin: germline. Affected: yes.
Comment: Not observed in large population cohorts (Lek et al., 2016); In silico analysis, which includes protein predictors and evolutionary conservation, supports a deleterious effect; Has not been previously published as pathogenic or benign to our knowledge

NM_001042681.2(RERE):c.4007C>T (p.Pro1336Leu)

Gene: RERE (arginine-glutamic acid dipeptide repeats; minus strand). Cytogenetic location: 1p36.23.
Variant type: single nucleotide variant.
Coding change: c.4007C>T on transcript NM_001042681.2 (MANE Select); coding-DNA position 4007, C replaced by T.
Protein change: p.Pro1336Leu; replaces proline 1336 with leucine.
Molecular consequence: missense variant.
Genome position (GRCh38, 1-based): chr1:8,358,528, G>A on the plus strand (C>T on the coding strand, the complement: RERE is on the minus strand). VCF-style: chr1-8358528-G-A. GRCh37 (hg19) VCF-style: chr1-8418588-G-A.
Other names: c.2345C>T, p.Pro782Leu (NM_001042682.2); c.4007C>T, p.Pro1336Leu (NM_012102.4); short protein forms P1336L, P782L.
Identifiers: ClinVar variation 1307010 (VCV001307010.2), dbSNP rs2124359972, ClinGen allele CA338169391.